The following is an entry in ClinVar:

ClinVar aggregate classification (germline): Uncertain significance (1 of 4 stars; one submission).

Conditions:
Hereditary cancer-predisposing syndrome. Also called: Neoplastic Syndromes, Hereditary; Tumor predisposition; Hereditary Cancer Syndrome; Hereditary neoplastic syndrome. Identifiers: Orphanet 140162, MedGen C0027672, MeSH D009386, MONDO:0015356.

Submission:

Ambry Genetics
Classification: Uncertain significance for Hereditary cancer-predisposing syndrome. Last evaluated: 2016-05-26. Review status: criteria provided, single submitter. Criteria: Ambry Variant Classification Scheme 2023. Collection method: clinical testing. Allele origin: germline.
Comment: The p.G2707R variant (also known as c.8119G>C), located in coding exon 15 of the APC gene, results from a G to C substitution at nucleotide position 8119. The glycine at codon 2707 is replaced by arginine, an amino acid with dissimilar properties. This variant was not reported in population based cohorts in the following databases: Database of Single Nucleotide Polymorphisms (dbSNP), NHLBI Exome Sequencing Project (ESP), and 1000 Genomes Project. In the ESP, this variant was not observed in 6502 samples (13004 alleles) with coverage at this position. To date, this alteration has been detected with an allele frequency of approximately 0.001% (greater than 90000 alleles tested) in our clinical cohort. This amino acid position is not well conserved in available vertebrate species. In addition, in silico predictors for this gene do not accurately predict pathogenicity. Since supporting evidence is limited at this time, the clinical significance of this alteration remains unclear.

NM_000038.6(APC):c.8119G>C (p.Gly2707Arg)

Gene: APC (APC regulator of Wnt signaling pathway; plus strand). Cytogenetic location: 5q22.2.
Variant type: single nucleotide variant.
Coding change: c.8119G>C on transcript NM_000038.6 (MANE Select); coding-DNA position 8119, G replaced by C.
Protein change: p.Gly2707Arg; replaces glycine 2707 with arginine.
Molecular consequence: missense variant.
Genome position (GRCh38, 1-based): chr5:112,843,713, G>C. VCF-style: chr5-112843713-G-C. GRCh37 (hg19) VCF-style: chr5-112179410-G-C.
Other names: c.8119G>C, p.Gly2707Arg (NM_001127510.3, NM_001354895.2); c.8065G>C, p.Gly2689Arg (NM_001127511.3); c.8173G>C, p.Gly2725Arg (NM_001354896.2); c.8149G>C, p.Gly2717Arg (NM_001354897.2); c.8044G>C, p.Gly2682Arg (NM_001354898.2); c.8035G>C, p.Gly2679Arg (NM_001354899.2); c.7996G>C, p.Gly2666Arg (NM_001354900.2); c.7942G>C, p.Gly2648Arg (NM_001354901.2); and 5 more; short protein forms G2689R, G2707R, G2648R, G2666R, G2581R, G2606R, G2616R, G2682R.
Identifiers: ClinVar variation 485125 (VCV000485125.5), dbSNP rs1554088906, ClinGen allele CA16038967.